The following is an entry in ClinVar:

ClinVar aggregate classification (germline): Pathogenic (0 of 4 stars; one submission).

Submission:

GenMed Metabolism Lab
Classification: Pathogenic. Review status: no assertion criteria provided. Collection method: not provided. Allele origin: unknown.
ClinVar note: Converted during submission from pathogenic to Pathogenic.

NM_000531.6(OTC):c.643C>T (p.Leu215Phe)

Gene: OTC (ornithine transcarbamylase; plus strand). Cytogenetic location: Xp11.4.
Variant type: single nucleotide variant.
Coding change: c.643C>T on transcript NM_000531.6 (MANE Select); coding-DNA position 643, C replaced by T.
Protein change: p.Leu215Phe; replaces leucine 215 with phenylalanine.
Molecular consequence: missense variant.
Genome position (GRCh38, 1-based): chrX:38,403,720, C>T. VCF-style: chrX-38403720-C-T. GRCh37 (hg19) VCF-style: chrX-38262973-C-T.
Other names: short protein forms L215F.
Identifiers: ClinVar variation 97278 (VCV000097278.2), dbSNP rs72558421, ClinGen allele CA224721.
Genomic context (GRCh38, chrX:38,403,720, plus strand): 5'-GGGGATGGGAACAATATCCTGCACTCCATCATGATGAGCGCAGCGAAATTCGGAATGCAC[C>T]TTCAGGCAGCTACTCCAAAGGTAGGGAAACTTTTTGCCTTGAAACTAACCCCTCTCTTAA-3'
Protein context (NP_000522.3, residues 205-225): MMSAAKFGMH[Leu215Phe]QAATPKGYEP